The following is an entry in ClinVar:

ClinVar aggregate classification (germline): Likely benign (1 of 4 stars; one submission).

Submission:

GeneDx
Classification: Likely benign. Last evaluated: 2016-12-13. Review status: criteria provided, single submitter. Criteria: GeneDx Variant Classification (06012015). Collection method: clinical testing. Allele origin: germline. Affected: yes.
Comment: This variant is considered likely benign or benign based on one or more of the following criteria: it is a conservative change, it occurs at a poorly conserved position in the protein, it is predicted to be benign by multiple in silico algorithms, and/or has population frequency not consistent with disease.

NM_001048174.2(MUTYH):c.115+20C>T

Gene: MUTYH (mutY DNA glycosylase; minus strand). Cytogenetic location: 1p34.1.
Variant type: single nucleotide variant.
Coding change: c.115+20C>T on transcript NM_001048174.2 (MANE Select); 20 bases into the intron after coding-DNA position 115, C replaced by T.
Molecular consequence: intron variant.
Genome position (GRCh38, 1-based): chr1:45,334,371, G>A on the plus strand (C>T on the coding strand, the complement: MUTYH is on the minus strand). VCF-style: chr1-45334371-G-A. GRCh37 (hg19) VCF-style: chr1-45800043-G-A.
Other names: c.-93+20C>T (NM_001350651.2); c.-98+20C>T (NM_001293192.2, NM_001293196.2); c.-157+20C>T (NM_001350650.2); c.115+20C>T (NM_001048171.2, NM_001048173.2, NM_001048172.2 and 2 more transcripts); c.157+20C>T (NM_001293190.2, NM_012222.3, NM_001128425.2).
Identifiers: ClinVar variation 391822 (VCV000391822.1), dbSNP rs1057524247, ClinGen allele CA16603743.
Genomic context (GRCh38, chr1:45,334,371, plus strand): 5'-TGATACGTATCACAATCCCTTCCCAGCCTGAATCTGCCTTTCATGGCCAATGAGCCTTGG[G>A]CCACAACCTAGTTCCTTACCATCACAGGCAGAAGGCTTGGCCTGACTGTTGTTCTTAGCA-3'